The following is an entry in ClinVar:

NM_001366385.1(CARD14):c.1979G>A (p.Gly660Asp)

Genes: CARD14 (caspase recruitment domain family member 14; plus strand), SGSH (N-sulfoglucosamine sulfohydrolase; minus strand). Cytogenetic location: 17q25.3.
Variant type: single nucleotide variant.
Coding change: c.1979G>A on transcript NM_001366385.1 (MANE Select); coding-DNA position 1979, G replaced by A.
Protein change: p.Gly660Asp; replaces glycine 660 with aspartic acid.
Molecular consequence: missense variant. On other transcripts: non-coding transcript variant (1).
Genome position (GRCh38, 1-based): chr17:80,202,180, G>A. VCF-style: chr17-80202180-G-A. GRCh37 (hg19) VCF-style: chr17-78175979-G-A.
Other names: c.1979G>A, p.Gly660Asp (NM_001257970.1, NM_024110.4); short protein forms G660D.
Identifiers: ClinVar variation 2185097 (VCV002185097.4), dbSNP rs1238031435, ClinGen allele CA401353139.

ClinVar aggregate classification (germline): Uncertain significance (1 of 4 stars; one submission).

Conditions:
Pityriasis rubra pilaris (PRP). Also called: Pityriasis rubra pilaris--familial type. Identifiers: Orphanet 2897, MedGen C0032027, MONDO:0100017, OMIM 173200, MONDO:0008251.
Psoriasis 2. Identifiers: MedGen C1864497, MONDO:0011269, OMIM 602723.

Allele frequency attached by ClinVar (database versions not stated): gnomAD 0.00001.
gnomAD v4.1: 1 of 1,613,002 alleles (0.000062%); highest among the groups gnomAD compares: Admixed American, 0.0017%; no homozygotes.

Submission:

Labcorp Genetics (formerly Invitae), Labcorp
Classification: Uncertain significance for Pityriasis rubra pilaris; Psoriasis 2. Last evaluated: 2024-11-30. Review status: criteria provided, single submitter. Criteria: Invitae Variant Classification Sherloc (09022015). Collection method: clinical testing. Allele origin: germline.
Comment: This sequence change replaces glycine, which is neutral and non-polar, with aspartic acid, which is acidic and polar, at codon 660 of the CARD14 protein (p.Gly660Asp). This variant is not present in population databases (gnomAD no frequency). This variant has not been reported in the literature in individuals affected with CARD14-related conditions. ClinVar contains an entry for this variant (Variation ID: 2185097). Invitae Evidence Modeling of protein sequence and biophysical properties (such as structural, functional, and spatial information, amino acid conservation, physicochemical variation, residue mobility, and thermodynamic stability) indicates that this missense variant is not expected to disrupt CARD14 protein function with a negative predictive value of 95%. In summary, the available evidence is currently insufficient to determine the role of this variant in disease. Therefore, it has been classified as a Variant of Uncertain Significance.